The following is an entry in ClinVar:

ClinVar aggregate classification (germline): Pathogenic. Review status: criteria provided, multiple submitters, no conflicts (2 of 4 stars). 24 submissions from 23 submitters: Pathogenic (21). 3 of the submissions do not count toward it. Last evaluated 2025-08-11.

Conditions:
Rare genetic deafness. Identifiers: Orphanet 96210, MedGen C5680250.
Usher syndrome. Also called: Usher's syndrome; Usher Syndromes. Identifiers: Orphanet 886, MedGen CN469326, MeSH D052245, MONDO:0019501. Disease mechanism: loss of function.
Usher syndrome type 2. Also called: Usher Syndrome Type II. Identifiers: Orphanet 231178, MedGen C0339534, MONDO:0016484.
USH2A-related disorder. Also called: USH2A-related disorders; USH2A-related condition. Identifiers: MedGen CN239332.
Retinal dystrophy. Also called: Inherited retinal dystrophy. Identifiers: Orphanet 71862, MedGen C0854723, MeSH D058499, MONDO:0019118, HP:0000556.
Retinitis pigmentosa 39 (RP39). Identifiers: Orphanet 791, MedGen C3151138, MONDO:0013436, OMIM 613809.
Usher syndrome type 2A. Also called: RETINAL DISEASE IN USHER SYNDROME TYPE IIA, MODIFIER OF; USHER SYNDROME, TYPE IIA. Identifiers: Orphanet 231178, Orphanet 886, MedGen C1848634, MONDO:0010169, OMIM 276901.
Retinitis pigmentosa (RP). Identifiers: Orphanet 791, MedGen C0035334, MeSH D012174, MONDO:0019200, OMIM 268000. Inheritance: Autosomal dominant, autosomal recessive and X linked inheritance.
Autosomal recessive retinitis pigmentosa. Identifiers: MedGen C0339526.

Allele frequency attached by ClinVar (database versions not stated): TOPMed below 0.00001; gnomAD exomes 0.00001.
gnomAD v4.1: 13 of 1,613,696 alleles (0.00081%); highest among the groups gnomAD compares: Middle Eastern, 0.033%; no homozygotes.

Submissions 1 to 16 of 24:

Labcorp Genetics (formerly Invitae), Labcorp
Classification: Pathogenic. Last evaluated: 2025-08-11. Review status: criteria provided, single submitter. Criteria: Invitae Variant Classification Sherloc (09022015). Collection method: clinical testing. Allele origin: germline.
Comment: This sequence change affects a donor splice site in intron 28 of the USH2A gene. It is expected to disrupt RNA splicing. Variants that disrupt the donor or acceptor splice site typically lead to a loss of protein function (PMID: 16199547), and loss-of-function variants in USH2A are known to be pathogenic (PMID: 10729113, 10909849, 20507924, 25649381). This variant is present in population databases (no rsID available, gnomAD 0.002%). Disruption of this splice site has been observed in individuals with Usher syndrome or retinitis pigmentosa (PMID: 25097241, 26355662, 29490346). ClinVar contains an entry for this variant (Variation ID: 228414). Algorithms developed to predict the effect of sequence changes on RNA splicing suggest that this variant may disrupt the consensus splice site. For these reasons, this variant has been classified as Pathogenic.

Natera, Inc.
Classification: Pathogenic for Usher syndrome type 2A. Last evaluated: 2025-06-11. Review status: criteria provided, single submitter. Criteria: Natera Variant Classification Schema (03/2026). Collection method: clinical testing. Allele origin: germline.
Comment: The c.5776+1G>A variant in USH2A is a canonical splice donor site variant predicted to affect pre-mRNA splicing, which may result in an abnormal transcript and altered protein product. This variant is expected to result in nonsense mediated decay, truncation, or a dysfunctional protein product. This variant is rare in the general population with a frequency below the threshold expected for the associated phenotype(s). This variant has been observed in one or more individuals affected with the associated recessive disease, as either homozygous or compound heterozygous with a second variant (PMID: 19683999). Given the available evidence, this variant is classified as Pathogenic.

GeneDx
Classification: Pathogenic. Last evaluated: 2025-03-17. Review status: criteria provided, single submitter. Criteria: GeneDx Variant Classification Process June 2021. Collection method: clinical testing. Allele origin: germline. Affected: yes.
Comment: Canonical splice site variant predicted to result in an in-frame loss of the adjacent exon in a gene for which loss of function is a known mechanism of disease; Not observed at significant frequency in large population cohorts (gnomAD); This variant is associated with the following publications: (PMID: 25525159, 26355662, 23591405, 29074561, 32531858, 25097241, 25649381, 34758253, 32188678, 31589614, 32552793, 32176120, 18273898, 24944099, 25558175, 25575603, 29490346, 19683999, 18641288, 31456290, 34426522, 37644014, 31964843, 33749171, 33576794, 32037395, 34948090, 34781295, 35266249, 38219857, 38711914)

Blueprint Genetics
Classification: Pathogenic for USH2A-related disorders. Last evaluated: 2024-07-10. Review status: criteria provided, single submitter. Criteria: ACMG Guidelines, 2015. Collection method: clinical testing. Allele origin: germline. Affected: yes. Observed: 5 variant alleles.

Fulgent Genetics
Classification: Pathogenic for Usher syndrome type 2A; Retinitis pigmentosa 39. Last evaluated: 2024-04-11. Review status: criteria provided, single submitter. Criteria: ACMG Guidelines, 2015. Collection method: clinical testing. Allele origin: germline.

Genomic Medicine Center of Excellence, King Faisal Specialist Hospital and Research Centre
Classification: Pathogenic for Usher syndrome type 2A. Last evaluated: 2024-03-17. Review status: criteria provided, single submitter. Criteria: ACMG Guidelines, 2015. Collection method: research. Allele origin: germline.

Revvity Omics, Revvity
Classification: Pathogenic. Last evaluated: 2024-03-14. Review status: criteria provided, single submitter. Criteria: ACMG Guidelines, 2015. Collection method: clinical testing. Allele origin: germline.

Baylor Genetics
Classification: Pathogenic for Retinitis pigmentosa 39. Last evaluated: 2024-02-13. Review status: criteria provided, single submitter. Criteria: ACMG Guidelines, 2015. Collection method: clinical testing. Allele origin: unknown.

Women's Health and Genetics/Laboratory Corporation of America, LabCorp
Classification: Pathogenic for Usher syndrome. Last evaluated: 2023-12-15. Review status: criteria provided, single submitter. Criteria: LabCorp Variant Classification Summary - May 2015. Collection method: clinical testing. Allele origin: germline.
Comment: Variant summary: USH2A c.5776+1G>A is located in a canonical splice-site and is predicted to affect mRNA splicing resulting in a significantly altered protein due to either exon skipping, shortening, or inclusion of intronic material. Several computational tools predict a significant impact on normal splicing: Four predict the variant abolishes a 5' splicing donor site. At least one publication reports experimental evidence that this variant affects mRNA splicing, showing the variant causes exon skipping resulting in a shortened mRNA product in a minigene assay (Fuster-Garcia_2018). The variant allele was found at a frequency of 1.2e-05 in 250072 control chromosomes. c.5776+1G>A has been reported in the literature in multiple individuals affected with Usher Syndrome, including as a homozygous phenotype (e.g. Fuster-Garcia_2018, Glockle_2014). These data indicate that the variant is likely to be associated with disease. The following publications have been ascertained in the context of this evaluation (PMID: 30459346, 23591405). 16 submitters have cited clinical-significance assessments for this variant to ClinVar after 2014. All submitters classified the variant as pathogenic. Based on the evidence outlined above, the variant was classified as pathogenic.

Genome-Nilou Lab
Classification: Pathogenic for Retinitis pigmentosa 39. Last evaluated: 2023-04-11. Review status: criteria provided, single submitter. Criteria: ACMG Guidelines, 2015. Collection method: clinical testing. Allele origin: germline. Affected: no.

Genome-Nilou Lab
Classification: Pathogenic for Usher syndrome type 2A. Last evaluated: 2023-04-11. Review status: criteria provided, single submitter. Criteria: ACMG Guidelines, 2015. Collection method: clinical testing. Allele origin: germline. Affected: no.

AiLife Diagnostics
Classification: Pathogenic. Last evaluated: 2022-03-23. Review status: criteria provided, single submitter. Criteria: ACMG Guidelines, 2015. Collection method: clinical testing. Allele origin: germline. Affected: yes. Observed: 1 variant allele.

3billion
Classification: Pathogenic for Usher syndrome type 2A. Last evaluated: 2022-01-03. Review status: criteria provided, single submitter. Criteria: ACMG Guidelines, 2015. Collection method: clinical testing. Allele origin: germline. Affected: yes. Observed: 1 homozygote.
Comment: Canonical splice site: predicted to alter splicing and result in a loss or disruption of normal protein function through protein truncation. Multiple pathogenic variants are reported in the predicted truncated region (PVS1_VS).The variant has been reported at least twice as pathogenic/likely pathogenic with clinical assertions and evidence for the classification (ClinVar ID: VCV000228414). It is observed at an extremely low frequency in the gnomAD v2.1.1 dataset (total allele frequency: 0.000012, PM2_M). Therefore, this variant is classified as pathogenic according to the recommendation of ACMG/AMP guideline.

Institute of Human Genetics, Univ. Regensburg, Univ. Regensburg
Classification: Pathogenic for Retinal dystrophy. Last evaluated: 2022-01-01. Review status: criteria provided, single submitter. Criteria: ACMG Guidelines, 2015. Collection method: clinical testing. Allele origin: germline. Affected: yes.

Myriad Genetics, Inc.
Classification: Pathogenic for Usher syndrome type 2A. Last evaluated: 2021-11-08. Review status: criteria provided, single submitter. Criteria: Myriad Women's Health Autosomal Recessive and X-Linked Classification Criteria (2021). Collection method: clinical testing. Allele origin: unknown.
Comment: NM_206933.2(USH2A):c.5776+1G>A is a canonical splice variant classified as pathogenic in the context of USH2A-related disorders. c.5776+1G>A has been observed in cases with relevant disease (PMID: 25575603, 19683999). Functional assessments of this variant are available in the literature (PMID: 25649381). c.5776+1G>A has been observed in population frequency databases (gnomAD: NFE 0.002%). In summary, NM_206933.2(USH2A):c.5776+1G>A is a canonical splice variant that has been observed more frequently in cases with the relevant disease than in healthy populations. Please note: this variant was assessed in the context of healthy population screening.

CeGaT Center for Human Genetics Tuebingen
Classification: Pathogenic. Last evaluated: 2021-10-01. Review status: criteria provided, single submitter. Criteria: CeGaT Center For Human Genetics Tuebingen Variant Classification Criteria Version 2. Collection method: clinical testing. Allele origin: germline. Affected: yes. Observed: 3 variant alleles.

NM_206933.4(USH2A):c.5776+1G>A

Genes: USH2A (usherin; minus strand), USH2A-AS2 (USH2A antisense RNA 2; plus strand). Cytogenetic location: 1q41.
Variant type: single nucleotide variant.
Coding change: c.5776+1G>A on transcript NM_206933.4 (MANE Select); the canonical splice donor site of the intron after coding-DNA position 5776, G replaced by A.
Molecular consequence: splice donor variant.
Genome position (GRCh38, 1-based): chr1:216,073,096, C>T on the plus strand (G>A on the coding strand, the complement: USH2A is on the minus strand). VCF-style: chr1-216073096-C-T. GRCh37 (hg19) VCF-style: chr1-216246438-C-T.
Other names: p.p.(=).
Identifiers: ClinVar variation 228414 (VCV000228414.78), dbSNP rs876657731, ClinGen allele CA10576384.